The following is an entry in ClinVar:

NM_001009944.3(PKD1):c.1410C>T (p.Phe470=)

Gene: PKD1 (polycystin 1, transient receptor potential channel interacting; minus strand). Cytogenetic location: 16p13.3.
Variant type: single nucleotide variant.
Coding change: c.1410C>T on transcript NM_001009944.3 (MANE Select); coding-DNA position 1410, C replaced by T.
Protein change: p.Phe470=; no amino-acid change (phenylalanine 470 retained).
Molecular consequence: synonymous variant.
Genome position (GRCh38, 1-based): chr16:2,117,029, G>A on the plus strand (C>T on the coding strand, the complement: PKD1 is on the minus strand). VCF-style: chr16-2117029-G-A. GRCh37 (hg19) VCF-style: chr16-2167030-G-A.
Other names: c.1410C>T, p.Phe470= (NM_000296.4).
Identifiers: ClinVar variation 3035830 (VCV003035830.2), dbSNP rs754147819, ClinGen allele CA7833511.

ClinVar aggregate classification (germline): Likely benign (0 of 4 stars; one submission).

Conditions:
PKD1-related disorder. Also called: PKD1-related condition.

Allele frequency attached by ClinVar (database versions not stated): gnomAD exomes 0.00001; TOPMed 0.00002; gnomAD 0.00003; 1000 Genomes Project 30x 0.00016; ExAC 0.00031.
gnomAD v4.1: 12 of 1,584,586 alleles (0.00076%); highest among the groups gnomAD compares: East Asian, 0.027%; no homozygotes.

Submission:

PreventionGenetics, part of Exact Sciences
Classification: Likely benign for PKD1-related condition. Last evaluated: 2019-08-01. Review status: no assertion criteria provided. Collection method: clinical testing. Allele origin: germline.
Comment: This variant is classified as likely benign based on ACMG/AMP sequence variant interpretation guidelines (Richards et al. 2015 PMID: 25741868, with internal and published modifications).